The following is an entry in ClinVar:

NM_007294.4(BRCA1):c.4379G>A (p.Ser1460Asn)

Gene: BRCA1 (BRCA1 DNA repair associated; minus strand). Cytogenetic location: 17q21.31.
Variant type: single nucleotide variant.
Coding change: c.4379G>A on transcript NM_007294.4 (MANE Select); coding-DNA position 4379, G replaced by A.
Protein change: p.Ser1460Asn; replaces serine 1460 with asparagine.
Molecular consequence: missense variant. On other transcripts: non-coding transcript variant (1).
Genome position (GRCh38, 1-based): chr17:43,076,593, C>T on the plus strand (G>A on the coding strand, the complement: BRCA1 is on the minus strand). VCF-style: chr17-43076593-C-T. GRCh37 (hg19) VCF-style: chr17-41228610-C-T.
Other names: c.4166G>A, p.Ser1389Asn (NM_001407571.1, NM_001407894.1, NM_001407895.1 and 12 more transcripts); c.4445G>A, p.Ser1482Asn (NM_001407581.1, NM_001407582.1); c.4442G>A, p.Ser1481Asn (NM_001407583.1, NM_001407585.1, NM_001407587.1 and 1 more transcripts); c.4439G>A, p.Ser1480Asn (NM_001407590.1, NM_001407591.1); c.4379G>A, p.Ser1460Asn (NM_001407593.1, NM_001407594.1, NM_001407596.1 and 8 more transcripts); c.4376G>A, p.Ser1459Asn (NM_001407610.1, NM_001407611.1, NM_001407612.1 and 17 more transcripts); c.4373G>A, p.Ser1458Asn (NM_001407627.1, NM_001407628.1, NM_001407629.1 and 14 more transcripts); c.4370G>A, p.Ser1457Asn (NM_001407644.1, NM_001407645.1); and 68 more; short protein forms S1460N, S1413N, S1481N, S356N, S1164N, S1332N, S1347N, S1348N.
Identifiers: ClinVar variation 55185 (VCV000055185.20), dbSNP rs397509167, ClinGen allele CA002808.

ClinVar aggregate classification (germline): Uncertain significance. Review status: criteria provided, multiple submitters, no conflicts (2 of 4 stars). 5 submissions from 5 submitters: Uncertain significance (5). Last evaluated 2024-06-28.

Conditions:
Hereditary cancer-predisposing syndrome. Also called: Neoplastic Syndromes, Hereditary; Hereditary neoplastic syndrome; Tumor predisposition; Hereditary Cancer Syndrome. Identifiers: Orphanet 140162, MedGen C0027672, MeSH D009386, MONDO:0015356.
Hereditary breast ovarian cancer syndrome. Also called: Breast and ovarian cancer; Hereditary breast and ovarian cancer syndrome (HBOC); Hereditary breast and ovarian cancer syndrome; Hereditary breast and/or ovarian cancer syndrome; Hereditary breast and ovarian cancer; BRCA1- and BRCA2-Associated Hereditary Breast and Ovarian Cancer. Identifiers: Orphanet 145, MedGen C0677776, MeSH D061325, MONDO:0003582. Disease mechanism: loss of function.

gnomAD v4.1: 1 of 1,613,598 alleles (0.000062%); no homozygotes.

Submissions (5):

Labcorp Genetics (formerly Invitae), Labcorp
Classification: Uncertain significance for Hereditary breast ovarian cancer syndrome. Last evaluated: 2024-06-28. Review status: criteria provided, single submitter. Criteria: Invitae Variant Classification Sherloc (09022015). Collection method: clinical testing. Allele origin: germline.
Comment: This sequence change replaces serine, which is neutral and polar, with asparagine, which is neutral and polar, at codon 1460 of the BRCA1 protein (p.Ser1460Asn). This variant is not present in population databases (gnomAD no frequency). This missense change has been observed in individual(s) with breast cancer (PMID: 20215541, 28288110). ClinVar contains an entry for this variant (Variation ID: 55185). Advanced modeling of protein sequence and biophysical properties (such as structural, functional, and spatial information, amino acid conservation, physicochemical variation, residue mobility, and thermodynamic stability) performed at Invitae indicates that this missense variant is not expected to disrupt BRCA1 protein function with a negative predictive value of 95%. Studies have shown that this missense change is associated with inconclusive levels of altered splicing (PMID: 20215541; Invitae). In summary, the available evidence is currently insufficient to determine the role of this variant in disease. Therefore, it has been classified as a Variant of Uncertain Significance.

Ambry Genetics
Classification: Uncertain significance for Hereditary cancer-predisposing syndrome. Last evaluated: 2024-04-08. Review status: criteria provided, single submitter. Criteria: Ambry Variant Classification Scheme 2023. Collection method: clinical testing. Allele origin: germline.
Comment: The p.S1460N variant (also known as c.4379G>A), located in coding exon 12 of the BRCA1 gene, results from a G to A substitution at nucleotide position 4379. The serine at codon 1460 is replaced by asparagine, an amino acid with highly similar properties. This variant, in combination with BRCA1 c.4392T>A (p.P1464P), was reported to cause aberrant splicing (Sanz DJ et al. Clin. Cancer Res.16 (6) :1957-67); however, RNA studies have demonstrated that this alteration does not result in abnormal splicing in the set of samples tested (Ambry internal data). This amino acid position is not well conserved in available vertebrate species. In addition, this alteration is predicted to be tolerated by protein in silico analysis. Since supporting evidence is limited at this time, the clinical significance of this alteration remains unclear.

Color Diagnostics, LLC DBA Color Health
Classification: Uncertain significance for Hereditary cancer-predisposing syndrome. Last evaluated: 2022-09-20. Review status: criteria provided, single submitter. Criteria: ACMG Guidelines, 2015. Collection method: clinical testing. Allele origin: germline.
Comment: This missense variant replaces serine with asparagine at codon 1460 of the BRCA1 protein. Computational prediction suggests that this variant may not impact protein structure and function (internally defined REVEL score threshold <= 0.5, PMID: 27666373). This variant has been observed in in cis with c.4392T>A in two individuals affected with breast cancer, and aberrant RNA splicing products resulting in the out-of-frame skipping of exon 14 and the in-frame skipping of exons 13 and 14 were observed (PMID: 20215541). Because both out-of-frame and in-frame splice products are observed, the variant impact on BRCA1 function remains unclear. This variant has not been identified in the general population by the Genome Aggregation Database (gnomAD). The available evidence is insufficient to determine the role of this variant in disease conclusively. Therefore, this variant is classified as a Variant of Uncertain Significance.

Women's Health and Genetics/Laboratory Corporation of America, LabCorp
Classification: Uncertain significance. Last evaluated: 2020-03-08. Review status: criteria provided, single submitter. Criteria: LabCorp Variant Classification Summary - May 2015. Collection method: clinical testing. Allele origin: germline.
Comment: Variant summary: BRCA1 c.4379G>A (p.Ser1460Asn) results in a conservative amino acid change in the encoded protein sequence. Five of five in-silico tools predict a benign effect of the variant on protein function. 4/4 computational tools predict no significant impact on normal splicing. Nevertheless, a study that detected the variant along with another BRCA1 variant (c.4392T>A) in 2 breast cancer patients, revealed two aberrant products that corresponded to the skipping of exon 15 and exons 14+15, following testing of lymphocyte RNA from these patients (Sanz_2010). However, the variant was not tested in isolation and therefore, no conclusions can be drawn regarding its effect on splicing. The variant was absent in 251060 control chromosomes (gnomAD). The available data on variant occurrences in the general population are insufficient to allow any conclusion about variant significance. c.4379G>A has been reported in the literature in individuals affected with Hereditary Breast and Ovarian Cancer (e.g. Davies_2017, Sanz_2010). These reports do not provide unequivocal conclusions about association of the variant with Hereditary Breast and Ovarian Cancer. A ClinVar submitter (evaluation after 2014) cites the variant as uncertain significance. Based on the evidence outlined above, the variant was classified as uncertain significance.

Eurofins Ntd Llc (ga)
Classification: Uncertain significance. Last evaluated: 2014-09-16. Review status: criteria provided, single submitter. Criteria: EGL Classification Definitions 2015. Collection method: clinical testing. Allele origin: germline.

Literature cited by the submitters: PubMed 20215541 (cited by 4 submitters); PubMed 28288110 (cited by Labcorp Genetics (formerly Invitae), Labcorp and Women's Health and Genetics/Laboratory Corporation of America, LabCorp).